The following is an entry in ClinVar:

NM_006231.4(POLE):c.2176T>G (p.Tyr726Asp)

Gene: POLE (DNA polymerase epsilon, catalytic subunit; minus strand). Cytogenetic location: 12q24.33.
Variant type: single nucleotide variant.
Coding change: c.2176T>G on transcript NM_006231.4 (MANE Select); coding-DNA position 2176, T replaced by G.
Protein change: p.Tyr726Asp; replaces tyrosine 726 with aspartic acid.
Molecular consequence: missense variant.
Genome position (GRCh38, 1-based): chr12:132,667,646, A>C on the plus strand (T>G on the coding strand, the complement: POLE is on the minus strand). VCF-style: chr12-132667646-A-C. GRCh37 (hg19) VCF-style: chr12-133244232-A-C.
Other names: short protein forms Y726D.
Identifiers: ClinVar variation 2503507 (VCV002503507.1), dbSNP rs2135971265, ClinGen allele CA387353375.

ClinVar aggregate classification (germline): Uncertain significance (1 of 4 stars; one submission).

Conditions:
Colorectal cancer, susceptibility to, 12 (CRCS12). Also called: COLORECTAL CANCER, SUSCEPTIBILITY TO, ON CHROMOSOME 12q24. Identifiers: Orphanet 220460, MedGen C3554460, MONDO:0014038, OMIM 615083.

Submission:

St. Jude Molecular Pathology, St. Jude Children's Research Hospital
Classification: Uncertain significance for Colorectal cancer, susceptibility to, 12. Last evaluated: 2023-05-16. Review status: criteria provided, single submitter. Criteria: St. Jude Assertion Criteria 2020. Collection method: clinical testing. Allele origin: germline.
Comment: The POLE c.2176T>G (p.Tyr726Asp) missense change is absent in gnomAD v2.1.1. The in silico tool REVEL predicts a deleterious effect on protein function, but to our knowledge this prediction has not been confirmed by functional studies. To our knowledge, this variant has not been reported in the literature in individuals with POLE-related disease. In summary, the evidence currently available is insufficient to determine the clinical significance of this variant. It has therefore been classified as of uncertain significance.